The following is an entry in ClinVar:

ClinVar aggregate classification (germline): Uncertain significance (1 of 4 stars; one submission).

Conditions:
Cardiovascular phenotype. Identifiers: MedGen CN230736.

Submission:

Ambry Genetics
Classification: Uncertain significance for Cardiovascular phenotype. Last evaluated: 2021-11-14. Review status: criteria provided, single submitter. Criteria: Ambry Variant Classification Scheme 2023. Collection method: clinical testing. Allele origin: germline.
Comment: The p.E1201V variant (also known as c.3602A>T), located in coding exon 21 of the FLNC gene, results from an A to T substitution at nucleotide position 3602. The glutamic acid at codon 1201 is replaced by valine, an amino acid with dissimilar properties. This amino acid position is conserved. In addition, this alteration is predicted to be deleterious by in silico analysis. Since supporting evidence is limited at this time, the clinical significance of this alteration remains unclear.

NM_001458.5(FLNC):c.3602A>T (p.Glu1201Val)

Gene: FLNC (filamin C; plus strand). Cytogenetic location: 7q32.1.
Variant type: single nucleotide variant.
Coding change: c.3602A>T on transcript NM_001458.5 (MANE Select); coding-DNA position 3602, A replaced by T.
Protein change: p.Glu1201Val; replaces glutamic acid 1201 with valine.
Molecular consequence: missense variant.
Genome position (GRCh38, 1-based): chr7:128,845,067, A>T. VCF-style: chr7-128845067-A-T. GRCh37 (hg19) VCF-style: chr7-128485121-A-T.
Other names: c.3602A>T, p.Glu1201Val (NM_001127487.2); short protein forms E1201V.
Identifiers: ClinVar variation 1733110 (VCV001733110.2), dbSNP rs2536638114, ClinGen allele CA369197324.